The following is an entry in ClinVar:

ClinVar aggregate classification (germline): Uncertain significance (1 of 4 stars; one submission).

Allele frequency attached by ClinVar (database versions not stated): ExAC 0.00001.
gnomAD v4.1: 1 of 1,614,104 alleles (0.000062%); highest among the groups gnomAD compares: East Asian, 0.0022%; no homozygotes.

Submission:

Labcorp Genetics (formerly Invitae), Labcorp
Classification: Uncertain significance. Last evaluated: 2022-08-16. Review status: criteria provided, single submitter. Criteria: Invitae Variant Classification Sherloc (09022015). Collection method: clinical testing. Allele origin: germline.
Comment: In summary, the available evidence is currently insufficient to determine the role of this variant in disease. Therefore, it has been classified as a Variant of Uncertain Significance. This sequence change replaces leucine, which is neutral and non-polar, with proline, which is neutral and non-polar, at codon 263 of the CYP24A1 protein (p.Leu263Pro). This variant is present in population databases (rs746821511, gnomAD 0.006%). This variant has not been reported in the literature in individuals affected with CYP24A1-related conditions. Advanced modeling of protein sequence and biophysical properties (such as structural, functional, and spatial information, amino acid conservation, physicochemical variation, residue mobility, and thermodynamic stability) performed at Invitae indicates that this missense variant is expected to disrupt CYP24A1 protein function.

NM_000782.5(CYP24A1):c.788T>C (p.Leu263Pro)

Gene: CYP24A1 (cytochrome P450 family 24 subfamily A member 1; minus strand). Cytogenetic location: 20q13.2.
Variant type: single nucleotide variant.
Coding change: c.788T>C on transcript NM_000782.5 (MANE Select); coding-DNA position 788, T replaced by C.
Protein change: p.Leu263Pro; replaces leucine 263 with proline.
Molecular consequence: missense variant.
Genome position (GRCh38, 1-based): chr20:54,164,508, A>G on the plus strand (T>C on the coding strand, the complement: CYP24A1 is on the minus strand). VCF-style: chr20-54164508-A-G. GRCh37 (hg19) VCF-style: chr20-52781047-A-G.
Other names: c.788T>C, p.Leu263Pro (NM_001128915.2); short protein forms L263P.
Identifiers: ClinVar variation 1913130 (VCV001913130.5), dbSNP rs746821511, ClinGen allele CA9916005.